The following is an entry in ClinVar:

NM_001042750.2(STAG2):c.1758del (p.Asn587fs)

Gene: STAG2 (STAG2 cohesin complex component; plus strand). Cytogenetic location: Xq25.
Variant type: Deletion.
Coding change: c.1758del on transcript NM_001042750.2 (MANE Select); coding-DNA position 1758, one base deleted (T; older notation c.1758delT).
Protein change: p.Asn587fs; shifts the reading frame from asparagine 587.
Molecular consequence: frameshift variant.
Genome position (GRCh38, 1-based): chrX:124,063,142, T deleted. VCF-style (leftmost placement, unchanged base first): chrX-124063141-CT-C. GRCh37 (hg19) VCF-style: chrX-123196991-CT-C.
Other names: c.1758delT (NM_001042749.2); c.1758del, p.Asn587fs (NM_001042751.2, NM_001282418.2, NM_001375366.1 and 13 more transcripts); short protein forms N587fs.
Identifiers: ClinVar variation 1190243 (VCV001190243.2), dbSNP rs2148320989, ClinGen allele CA2499226356.

ClinVar aggregate classification (germline): Pathogenic (1 of 4 stars; one submission).

Submission:

GeneDx
Classification: Pathogenic. Last evaluated: 2021-05-28. Review status: criteria provided, single submitter. Criteria: GeneDx Variant Classification Process June 2021. Collection method: clinical testing. Allele origin: germline. Affected: yes.
Comment: Frameshift variant predicted to result in protein truncation or nonsense mediated decay in a gene for which loss-of-function is a known mechanism of disease; Not observed at significant frequency in large population cohorts (Lek et al., 2016); Has not been previously published as pathogenic or benign to our knowledge; This variant is associated with the following publications: (PMID: 27535533)